The following is an entry in ClinVar:

NM_000256.3(MYBPC3):c.506-3C>T

Gene: MYBPC3 (myosin binding protein C3; minus strand). Cytogenetic location: 11p11.2.
Variant type: single nucleotide variant.
Coding change: c.506-3C>T on transcript NM_000256.3 (MANE Select); 3 bases into the intron before coding-DNA position 506, C replaced by T.
Molecular consequence: intron variant.
Genome position (GRCh38, 1-based): chr11:47,349,925, G>A on the plus strand (C>T on the coding strand, the complement: MYBPC3 is on the minus strand). VCF-style: chr11-47349925-G-A. GRCh37 (hg19) VCF-style: chr11-47371476-G-A.
Identifiers: ClinVar variation 3618816 (VCV003618816.3).

ClinVar aggregate classification (germline): Uncertain significance. Review status: criteria provided, multiple submitters, no conflicts (2 of 4 stars). 2 submissions from 2 submitters: Uncertain significance (2). Last evaluated 2025-07-22.

Conditions:
Cardiomyopathy (CMYO). Also called: Cardiomyopathies. Identifiers: Orphanet 167848, MedGen C0878544, MONDO:0004994, HP:0001638. Inheritance: Various modes of inheritance.
Hypertrophic cardiomyopathy. Also called: HYPERTROPHIC MYOCARDIOPATHY. Identifiers: Orphanet 217569, MedGen C0007194, MeSH D002312, MONDO:0005045, HP:0001639.

Submissions (2):

Color Diagnostics, LLC DBA Color Health
Classification: Uncertain significance for Cardiomyopathy. Last evaluated: 2025-07-22. Review status: criteria provided, single submitter. Criteria: ACMG Guidelines, 2015. Collection method: clinical testing. Allele origin: germline.
Comment: This variant causes a C to T nucleotide substitution at the -3 position of intron 4 of the MYBPC3 gene. To our knowledge, functional studies have not been reported for this variant. This variant has been reported in an individual affected with arrhythmogenic cardiomyopathy and sudden death (PMID: 31764239)this individual also carried a truncation variant in the DSP gene that could explain the observed phenotype. This variant has not been identified in the general population by the Genome Aggregation Database (gnomAD). The available evidence is insufficient to determine the role of this variant in disease conclusively. Therefore, this variant is classified as a Variant of Uncertain Significance.

Labcorp Genetics (formerly Invitae), Labcorp
Classification: Uncertain significance for Hypertrophic cardiomyopathy. Last evaluated: 2024-09-15. Review status: criteria provided, single submitter. Criteria: Invitae Variant Classification Sherloc (09022015). Collection method: clinical testing. Allele origin: germline.
Comment: This sequence change falls in intron 4 of the MYBPC3 gene. It does not directly change the encoded amino acid sequence of the MYBPC3 protein. It affects a nucleotide within the consensus splice site. This variant is not present in population databases (gnomAD no frequency). This variant has not been reported in the literature in individuals affected with MYBPC3-related conditions. Variants that disrupt the consensus splice site are a relatively common cause of aberrant splicing (PMID: 17576681, 9536098). Algorithms developed to predict the effect of sequence changes on RNA splicing suggest that this variant is not likely to affect RNA splicing. In summary, the available evidence is currently insufficient to determine the role of this variant in disease. Therefore, it has been classified as a Variant of Uncertain Significance.

Literature cited by the submitters: PubMed 31764239 (cited by Color Diagnostics, LLC DBA Color Health); PubMed 17576681 (cited by Labcorp Genetics (formerly Invitae), Labcorp); PubMed 9536098 (cited by Labcorp Genetics (formerly Invitae), Labcorp).